The following is an entry in ClinVar:

ClinVar aggregate classification (germline): Uncertain significance. Review status: criteria provided, multiple submitters, no conflicts (2 of 4 stars). 2 submissions from 2 submitters: Uncertain significance (2). Last evaluated 2025-01-06.

Conditions:
Inborn genetic diseases. Identifiers: MedGen C0950123, MeSH D030342.

Allele frequency attached by ClinVar (database versions not stated): gnomAD exomes 0.00001; ExAC 0.00002; ESP Exome Variant Server 0.00008; TOPMed 0.00012; gnomAD 0.00017; 1000 Genomes Project 0.00020; 1000 Genomes Project 30x 0.00031.
gnomAD v4.1: 37 of 1,613,984 alleles (0.0023%); highest among the groups gnomAD compares: African/African-American, 0.035%; no homozygotes.

Submissions (2):

Labcorp Genetics (formerly Invitae), Labcorp
Classification: Uncertain significance. Last evaluated: 2025-01-06. Review status: criteria provided, single submitter. Criteria: Invitae Variant Classification Sherloc (09022015). Collection method: clinical testing. Allele origin: germline.
Comment: This sequence change replaces valine, which is neutral and non-polar, with isoleucine, which is neutral and non-polar, at codon 422 of the NNT protein (p.Val422Ile). This variant is present in population databases (rs137922441, gnomAD 0.03%). This variant has not been reported in the literature in individuals affected with NNT-related conditions. ClinVar contains an entry for this variant (Variation ID: 2358775). An algorithm developed to predict the effect of missense changes on protein structure and function (PolyPhen-2) suggests that this variant is likely to be tolerated. In summary, the available evidence is currently insufficient to determine the role of this variant in disease. Therefore, it has been classified as a Variant of Uncertain Significance.

Ambry Genetics
Classification: Uncertain significance for Inborn genetic diseases. Last evaluated: 2021-06-18. Review status: criteria provided, single submitter. Criteria: Ambry Variant Classification Scheme 2023. Collection method: clinical testing. Allele origin: germline.

NM_182977.3(NNT):c.1264G>A (p.Val422Ile)

Gene: NNT (nicotinamide nucleotide transhydrogenase; plus strand). Cytogenetic location: 5p12.
Variant type: single nucleotide variant.
Coding change: c.1264G>A on transcript NM_182977.3 (MANE Select); coding-DNA position 1264, G replaced by A.
Protein change: p.Val422Ile; replaces valine 422 with isoleucine.
Molecular consequence: missense variant.
Genome position (GRCh38, 1-based): chr5:43,644,776, G>A. VCF-style: chr5-43644776-G-A. GRCh37 (hg19) VCF-style: chr5-43644878-G-A.
Other names: c.871G>A, p.Val291Ile (NM_001331026.2); c.1264G>A, p.Val422Ile (NM_012343.4); short protein forms V291I, V422I.
Identifiers: ClinVar variation 2358775 (VCV002358775.5), dbSNP rs137922441, ClinGen allele CA3257927.